The following is an entry in ClinVar:

ClinVar aggregate classification (germline): Benign. Review status: criteria provided, single submitter (1 of 4 stars). 2 submissions from 2 submitters: Benign (1). 1 of the submissions does not count toward it. Last evaluated 2026-06-26.

Conditions:
PON2-related disorder. Also called: PON2-related condition.

Allele frequency attached by ClinVar (database versions not stated): ExAC 0.00018; 1000 Genomes Project 0.00020; gnomAD 0.00029; 1000 Genomes Project 30x 0.00031; ESP Exome Variant Server 0.00031; TOPMed 0.00032; gnomAD exomes 0.00054.
gnomAD v4.1: 826 of 1,613,998 alleles (0.051%); highest among the groups gnomAD compares: Non-Finnish European, 0.066%; no homozygotes.

Submissions (2):

Women's Health and Genetics/Laboratory Corporation of America, LabCorp
Classification: Benign. Last evaluated: 2026-06-26. Review status: criteria provided, single submitter. Criteria: LabCorp Variant Classification Summary - May 2015. Collection method: clinical testing. Allele origin: germline.

PreventionGenetics, part of Exact Sciences
Classification: Likely benign for PON2-related condition. Last evaluated: 2019-09-19. Review status: no assertion criteria provided. Collection method: clinical testing. Allele origin: germline. Not counted in ClinVar's aggregate classification.
Comment: This variant is classified as likely benign based on ACMG/AMP sequence variant interpretation guidelines (Richards et al. 2015 PMID: 25741868, with internal and published modifications).

NM_000305.3(PON2):c.463C>T (p.Leu155=)

Genes: ASB4 (ankyrin repeat and SOCS box containing 4; plus strand), PON2 (paraoxonase 2; minus strand), LOC107986822 (uncharacterized LOC107986822; plus strand). Cytogenetic location: 7q21.3.
Variant type: single nucleotide variant.
Coding change: c.463C>T on transcript NM_000305.3 (MANE Select); coding-DNA position 463, C replaced by T.
Protein change: p.Leu155=; no amino-acid change (leucine 155 retained).
Molecular consequence: synonymous variant.
Genome position (GRCh38, 1-based): chr7:95,411,684, G>A on the plus strand (C>T on the coding strand, the complement: PON2 is on the minus strand). VCF-style: chr7-95411684-G-A. GRCh37 (hg19) VCF-style: chr7-95040996-G-A.
Other names: c.427C>T, p.Leu143= (NM_001018161.2).
Identifiers: ClinVar variation 3039135 (VCV003039135.3), dbSNP rs116397066, ClinGen allele CA4351049.
Genomic context (GRCh38, chr7:95,411,684, plus strand): 5'-ATTAGAGAAGGAACAAAATGAGGAAGTACCTTGGAAGAAGCTCATGTTTGACTGTTTTCA[G>A]ATGCAACAGAGAATTTTCTGCTTCTTCAAATTTAAAAATTTCCACTGTATTCTTGAATTC-3'
Protein context (NP_000296.2, residues 145-165): FEEAENSLLH[Leu155=]KTVKHELLPS